The following is an entry in ClinVar:

ClinVar aggregate classification (germline): Uncertain significance (1 of 4 stars; one submission).

Submission:

Ambry Genetics
Classification: Uncertain significance. Last evaluated: 2025-08-24. Review status: criteria provided, single submitter. Criteria: Ambry Variant Classification Scheme 2023. Collection method: clinical testing. Allele origin: germline.
Comment: The p.H519N variant (also known as c.1555C>A), located in coding exon 9 of the GALNT12 gene, results from a C to A substitution at nucleotide position 1555. The histidine at codon 519 is replaced by asparagine, an amino acid with similar properties. This amino acid position is conserved. In addition, this alteration is predicted to be tolerated by in silico analysis. Since supporting evidence is limited at this time, the clinical significance of this alteration remains unclear.

NM_024642.5(GALNT12):c.1555C>A (p.His519Asn)

Gene: GALNT12 (polypeptide N-acetylgalactosaminyltransferase 12; plus strand). Cytogenetic location: 9q22.33.
Variant type: single nucleotide variant.
Coding change: c.1555C>A on transcript NM_024642.5 (MANE Select); coding-DNA position 1555, C replaced by A.
Protein change: p.His519Asn; replaces histidine 519 with asparagine.
Molecular consequence: missense variant.
Genome position (GRCh38, 1-based): chr9:98,846,073, C>A. VCF-style: chr9-98846073-C-A. GRCh37 (hg19) VCF-style: chr9-101608355-C-A.
Other names: short protein forms H519N.
Identifiers: ClinVar variation 2451763 (VCV002451763.3), dbSNP rs2490557811, ClinGen allele CA374221797.